The following is an entry in ClinVar:

NM_024675.4(PALB2):c.331G>C (p.Asp111His)

Gene: PALB2 (partner and localizer of BRCA2; minus strand). Cytogenetic location: 16p12.2.
Variant type: single nucleotide variant.
Coding change: c.331G>C on transcript NM_024675.4 (MANE Select); coding-DNA position 331, G replaced by C.
Protein change: p.Asp111His; replaces aspartic acid 111 with histidine.
Molecular consequence: missense variant.
Genome position (GRCh38, 1-based): chr16:23,636,215, C>G on the plus strand (G>C on the coding strand, the complement: PALB2 is on the minus strand). VCF-style: chr16-23636215-C-G. GRCh37 (hg19) VCF-style: chr16-23647536-C-G.
Other names: c.271G>C, p.Asp91His (NM_001407296.1); c.331G>C, p.Asp111His (NM_001407297.1, NM_001407298.1, NM_001407299.1 and 3 more transcripts); c.-555G>C (NM_001407304.1, NM_001407305.1, NM_001407306.1 and 5 more transcripts); short protein forms D111H, D91H.
Identifiers: ClinVar variation 2162818 (VCV002162818.4), dbSNP rs1597099556, ClinGen allele CA395137806.

ClinVar aggregate classification (germline): Uncertain significance (1 of 4 stars; one submission).

Conditions:
Familial cancer of breast. Also called: Hereditary breast cancer; hereditary breast carcinoma; BREAST CANCER, FAMILIAL. Identifiers: Orphanet 227535, MedGen C0346153, MONDO:0016419, OMIM 114480. Disease mechanism: loss of function.

Submission:

Labcorp Genetics (formerly Invitae), Labcorp
Classification: Uncertain significance for Familial cancer of breast. Last evaluated: 2025-07-08. Review status: criteria provided, single submitter. Criteria: Invitae Variant Classification Sherloc (09022015). Collection method: clinical testing. Allele origin: germline.
Comment: This sequence change replaces aspartic acid, which is acidic and polar, with histidine, which is basic and polar, at codon 111 of the PALB2 protein (p.Asp111His). This variant is not present in population databases (gnomAD no frequency). This variant has not been reported in the literature in individuals affected with PALB2-related conditions. ClinVar contains an entry for this variant (Variation ID: 2162818). An algorithm developed to predict the effect of missense changes on protein structure and function outputs the following: PolyPhen-2: "Benign". The histidine amino acid residue is found in multiple mammalian species, which suggests that this missense change does not adversely affect protein function. In summary, the available evidence is currently insufficient to determine the role of this variant in disease. Therefore, it has been classified as a Variant of Uncertain Significance.